The following is an entry in ClinVar:

ClinVar aggregate classification (germline): Uncertain significance (1 of 4 stars; one submission).

Conditions:
Odonto-onycho-dermal dysplasia. Identifiers: Orphanet 2721, MedGen C0796093, MONDO:0009773, OMIM 257980.
Tooth agenesis, selective, 4 (STHAG4). Also called: TOOTH AGENESIS, SELECTIVE, 4, WITH OR WITHOUT ECTODERMAL DYSPLASIA; LATERAL INCISORS, ABSENCE OF; LATERAL INCISORS, PEGGED OR MISSING; SUCCEDANEOUS TEETH, AGENESIS OF. Identifiers: Orphanet 99798, MedGen C1835492, MONDO:0007881, OMIM 150400. Disease mechanism: loss of function.

gnomAD v4.1: 10 of 1,594,324 alleles (0.00063%); highest among the groups gnomAD compares: East Asian, 0.0023%; no homozygotes.

Submission:

Labcorp Genetics (formerly Invitae), Labcorp
Classification: Uncertain significance for Tooth agenesis, selective, 4; Odonto-onycho-dermal dysplasia. Last evaluated: 2022-05-24. Review status: criteria provided, single submitter. Criteria: Invitae Variant Classification Sherloc (09022015). Collection method: clinical testing. Allele origin: germline.
Comment: In summary, the available evidence is currently insufficient to determine the role of this variant in disease. Therefore, it has been classified as a Variant of Uncertain Significance. Algorithms developed to predict the effect of missense changes on protein structure and function are either unavailable or do not agree on the potential impact of this missense change (SIFT: "Deleterious"; PolyPhen-2: "Possibly Damaging"; Align-GVGD: "Class C0"). This variant has not been reported in the literature in individuals affected with WNT10A-related conditions. The frequency data for this variant in the population databases is considered unreliable, as metrics indicate poor data quality at this position in the gnomAD database. This sequence change replaces arginine, which is basic and polar, with tryptophan, which is neutral and slightly polar, at codon 259 of the WNT10A protein (p.Arg259Trp).

NM_025216.3(WNT10A):c.775C>T (p.Arg259Trp)

Gene: WNT10A (Wnt family member 10A; plus strand). Cytogenetic location: 2q35.
Variant type: single nucleotide variant.
Coding change: c.775C>T on transcript NM_025216.3 (MANE Select); coding-DNA position 775, C replaced by T.
Protein change: p.Arg259Trp; replaces arginine 259 with tryptophan.
Molecular consequence: missense variant.
Genome position (GRCh38, 1-based): chr2:218,892,792, C>T. VCF-style: chr2-218892792-C-T. GRCh37 (hg19) VCF-style: chr2-219757514-C-T.
Other names: short protein forms R259W.
Identifiers: ClinVar variation 1962643 (VCV001962643.3), dbSNP rs576855744, ClinGen allele CA350589374.